The following is an entry in ClinVar:

NM_001377.3(DYNC2H1):c.6893+181T>G

Gene: DYNC2H1 (dynein cytoplasmic 2 heavy chain 1; plus strand). Cytogenetic location: 11q22.3.
Variant type: single nucleotide variant.
Coding change: c.6893+181T>G on transcript NM_001377.3 (MANE Select); 181 bases into the intron after coding-DNA position 6893, T replaced by G.
Molecular consequence: intron variant.
Genome position (GRCh38, 1-based): chr11:103,186,682, T>G. VCF-style: chr11-103186682-T-G. GRCh37 (hg19) VCF-style: chr11-103057411-T-G.
Other names: c.6893+181T>G (NM_001080463.2).
Identifiers: ClinVar variation 667717 (VCV000667717.1), dbSNP rs625103, ClinGen allele CA13555347.
Genomic context (GRCh38, chr11:103,186,682, plus strand): 5'-CATTTTATTTTCATTACTTATAAAAATAAGAACTATGGGGAATAGTGTGTCCTTTTCTTT[T>G]CCAGGTTGTGTGATTTCTACTGGAAAGACAGCAATCTGAGAAGATACTCTTAAAAATTAT-3'

ClinVar aggregate classification (germline): Benign (1 of 4 stars; one submission).

Allele frequency attached by ClinVar (database versions not stated): 1000 Genomes Project 0.89657; 1000 Genomes Project 30x 0.89756; TOPMed 0.90777; gnomAD 0.91184 and 0.91393.
gnomAD v4.1: 137,819 of 151,076 alleles (91%); highest among the groups gnomAD compares: Admixed American, 93%; 62,925 homozygotes.

Submission:

GeneDx
Classification: Benign. Last evaluated: 2018-06-14. Review status: criteria provided, single submitter. Criteria: GeneDx Variant Classification (06012015). Collection method: clinical testing. Allele origin: germline. Affected: yes.
Comment: This variant is considered likely benign or benign based on one or more of the following criteria: it is a conservative change, it occurs at a poorly conserved position in the protein, it is predicted to be benign by multiple in silico algorithms, and/or has population frequency not consistent with disease.